The following is an entry in ClinVar:

ClinVar aggregate classification (germline): Uncertain significance (1 of 4 stars; one submission).

Conditions:
Werner syndrome (WRN). Identifiers: Orphanet 902, MedGen C0043119, MONDO:0010196, OMIM 277700.

Allele frequency attached by ClinVar (database versions not stated): gnomAD exomes 0.00001; TOPMed 0.00001; ExAC 0.00002.
gnomAD v4.1: 10 of 1,613,984 alleles (0.00062%); highest among the groups gnomAD compares: Admixed American, 0.0017%; no homozygotes.

Submission:

Labcorp Genetics (formerly Invitae), Labcorp
Classification: Uncertain significance for Werner syndrome. Last evaluated: 2025-06-02. Review status: criteria provided, single submitter. Criteria: Invitae Variant Classification Sherloc (09022015). Collection method: clinical testing. Allele origin: germline.
Comment: This sequence change replaces serine, which is neutral and polar, with glycine, which is neutral and non-polar, at codon 201 of the WRN protein (p.Ser201Gly). This variant is present in population databases (rs767516095, gnomAD 0.002%). This variant has not been reported in the literature in individuals affected with WRN-related conditions. ClinVar contains an entry for this variant (Variation ID: 1366965). An algorithm developed to predict the effect of missense changes on protein structure and function (PolyPhen-2) suggests that this variant is likely to be tolerated. In summary, the available evidence is currently insufficient to determine the role of this variant in disease. Therefore, it has been classified as a Variant of Uncertain Significance.

NM_000553.6(WRN):c.601A>G (p.Ser201Gly)

Gene: WRN (WRN RecQ like helicase; plus strand). Cytogenetic location: 8p12.
Variant type: single nucleotide variant.
Coding change: c.601A>G on transcript NM_000553.6 (MANE Select); coding-DNA position 601, A replaced by G.
Protein change: p.Ser201Gly; replaces serine 201 with glycine.
Molecular consequence: missense variant.
Genome position (GRCh38, 1-based): chr8:31,067,129, A>G. VCF-style: chr8-31067129-A-G. GRCh37 (hg19) VCF-style: chr8-30924645-A-G.
Other names: short protein forms S201G.
Identifiers: ClinVar variation 1366965 (VCV001366965.7), dbSNP rs767516095, ClinGen allele CA4704109.